The following is an entry in ClinVar:

ClinVar aggregate classification (germline): Uncertain significance. Review status: criteria provided, multiple submitters, no conflicts (2 of 4 stars). 3 submissions from 3 submitters: Uncertain significance (3). Last evaluated 2025-09-21.

Conditions:
Familial cold autoinflammatory syndrome 2 (FCAS2). Identifiers: Orphanet 247868, MedGen C2673198, MONDO:0012724, OMIM 611762.

Allele frequency attached by ClinVar (database versions not stated): gnomAD 0.00001.
gnomAD v4.1: 5 of 1,613,984 alleles (0.00031%); highest among the groups gnomAD compares: Non-Finnish European, 0.00042%; no homozygotes.

Submissions (3):

Labcorp Genetics (formerly Invitae), Labcorp
Classification: Uncertain significance for Familial cold autoinflammatory syndrome 2. Last evaluated: 2025-09-21. Review status: criteria provided, single submitter. Criteria: Invitae Variant Classification Sherloc (09022015). Collection method: clinical testing. Allele origin: germline.
Comment: This sequence change replaces glutamine, which is neutral and polar, with histidine, which is basic and polar, at codon 628 of the NLRP12 protein (p.Gln628His). This variant is present in population databases (rs745947638, gnomAD 0.0009%). This variant has not been reported in the literature in individuals affected with NLRP12-related conditions. ClinVar contains an entry for this variant (Variation ID: 1703720). Invitae Evidence Modeling of protein sequence and biophysical properties (such as structural, functional, and spatial information, amino acid conservation, physicochemical variation, residue mobility, and thermodynamic stability) indicates that this missense variant is not expected to disrupt NLRP12 protein function with a negative predictive value of 80%. In summary, the available evidence is currently insufficient to determine the role of this variant in disease. Therefore, it has been classified as a Variant of Uncertain Significance.

Women's Health and Genetics/Laboratory Corporation of America, LabCorp
Classification: Uncertain significance. Last evaluated: 2023-10-18. Review status: criteria provided, single submitter. Criteria: LabCorp Variant Classification Summary - May 2015. Collection method: clinical testing. Allele origin: germline.
Comment: Variant summary: NLRP12 c.1884G>T (p.Gln628His) results in a non-conservative amino acid change located in the NACHT, LRR and PYD domains-containing protein, helical domain (IPR041267) of the encoded protein sequence. Three of five in-silico tools predict a damaging effect of the variant on protein function. The variant allele was found at a frequency of 4e-06 in 251434 control chromosomes (gnomAD). The available data on variant occurrences in the general population are insufficient to allow any conclusion about variant significance. To our knowledge, no occurrence of c.1884G>T in individuals affected with Familial Cold Autoinflammatory Syndrome 2 and no experimental evidence demonstrating its impact on protein function have been reported. One submitter has cited clinical-significance assessments for this variant to ClinVar after 2014 and has classified the variant as uncertain significance. Based on the evidence outlined above, the variant was classified as uncertain significance.

Department of Human Genetics, Hannover Medical School
Classification: Uncertain significance for Familial cold autoinflammatory syndrome 2. Last evaluated: 2022-09-02. Review status: criteria provided, single submitter. Criteria: ACMG Guidelines, 2015. Collection method: clinical testing. Allele origin: germline. Affected: yes.
Comment: This variant is a missense variant that leads to an exchange of the highly conserved amino acid glutamine by histidine. The variant is not listed in the LOVD shared and ClinVar databases. The allele frequency is 0.0004%in the population database gnomAD (gnomAD; ALL). An in silico analysis of this variation using the program REVEL showed no clear result. Literature data are currently not available.

NM_144687.4(NLRP12):c.1884G>T (p.Gln628His)

Gene: NLRP12 (NLR family pyrin domain containing 12; minus strand). Cytogenetic location: 19q13.42.
Variant type: single nucleotide variant.
Coding change: c.1884G>T on transcript NM_144687.4 (MANE Select); coding-DNA position 1884, G replaced by T.
Protein change: p.Gln628His; replaces glutamine 628 with histidine.
Molecular consequence: missense variant.
Genome position (GRCh38, 1-based): chr19:53,809,775, C>A on the plus strand (G>T on the coding strand, the complement: NLRP12 is on the minus strand). VCF-style: chr19-53809775-C-A. GRCh37 (hg19) VCF-style: chr19-54313029-C-A.
Other names: c.1884G>T, p.Gln628His (NM_001277126.2, NM_001277129.1); short protein forms Q628H.
Identifiers: ClinVar variation 1703720 (VCV001703720.5), dbSNP rs745947638, ClinGen allele CA9639326.